The following is an entry in ClinVar:

NM_007194.4(CHEK2):c.1079A>G (p.Glu360Gly)

Gene: CHEK2 (checkpoint kinase 2; minus strand). Cytogenetic location: 22q12.1.
Variant type: single nucleotide variant.
Coding change: c.1079A>G on transcript NM_007194.4 (MANE Select); coding-DNA position 1079, A replaced by G.
Protein change: p.Glu360Gly; replaces glutamic acid 360 with glycine.
Molecular consequence: missense variant. On other transcripts: intron variant (3).
Genome position (GRCh38, 1-based): chr22:28,696,917, T>C on the plus strand (A>G on the coding strand, the complement: CHEK2 is on the minus strand). VCF-style: chr22-28696917-T-C. GRCh37 (hg19) VCF-style: chr22-29092905-T-C.
Other names: c.1009-1044A>G (NM_145862.3); c.878A>G, p.Glu293Gly (NM_001349956.3); c.416A>G, p.Glu139Gly (NM_001437942.1, NM_001257387.3); c.1172A>G, p.Glu391Gly (NM_001438293.1); c.1208A>G, p.Glu403Gly (NM_001005735.3); c.1102-1044A>G (NM_001438295.1); c.1138-1044A>G (NM_001438294.1); short protein forms E139G, E403G, E293G, E360G, E391G.
Identifiers: ClinVar variation 1785635 (VCV001785635.2), dbSNP rs2052606933, ClinGen allele CA411097523.

ClinVar aggregate classification (germline): Uncertain significance (1 of 4 stars; one submission).

Conditions:
Hereditary cancer-predisposing syndrome. Also called: Neoplastic Syndromes, Hereditary; Tumor predisposition; Hereditary Cancer Syndrome; Hereditary neoplastic syndrome. Identifiers: Orphanet 140162, MedGen C0027672, MeSH D009386, MONDO:0015356.

Submission:

Ambry Genetics
Classification: Uncertain significance for Hereditary cancer-predisposing syndrome. Last evaluated: 2021-08-09. Review status: criteria provided, single submitter. Criteria: Ambry Variant Classification Scheme 2023. Collection method: clinical testing. Allele origin: germline.
Comment: The p.E360G variant (also known as c.1079A>G), located in coding exon 9 of the CHEK2 gene, results from an A to G substitution at nucleotide position 1079. The glutamic acid at codon 360 is replaced by glycine, an amino acid with similar properties. This amino acid position is conserved. In addition, this alteration is predicted to be tolerated by in silico analysis. Since supporting evidence is limited at this time, the clinical significance of this alteration remains unclear.